The following is an entry in ClinVar:

ClinVar aggregate classification (germline): Uncertain significance. Review status: criteria provided, multiple submitters, no conflicts (2 of 4 stars). 3 submissions from 3 submitters: Uncertain significance (3). Last evaluated 2025-11-01.

Conditions:
Koolen-de Vries syndrome (KDVS). Identifiers: Orphanet 96169, MedGen C1864871, MONDO:0012496, OMIM 610443.

Allele frequency attached by ClinVar (database versions not stated): ExAC 0.00002; gnomAD exomes 0.00002.
gnomAD v4.1: 12 of 1,614,084 alleles (0.00074%); highest among the groups gnomAD compares: South Asian, 0.0099%; no homozygotes.

Submissions (3):

CeGaT Center for Human Genetics Tuebingen
Classification: Uncertain significance. Last evaluated: 2025-11-01. Review status: criteria provided, single submitter. Criteria: CeGaT Center For Human Genetics Tuebingen Variant Classification Criteria Version 2. Collection method: clinical testing. Allele origin: germline. Affected: yes. Observed: 1 variant allele.

Fulgent Genetics
Classification: Uncertain significance for Koolen-de Vries syndrome. Last evaluated: 2024-06-24. Review status: criteria provided, single submitter. Criteria: ACMG Guidelines, 2015. Collection method: clinical testing. Allele origin: germline.

Labcorp Genetics (formerly Invitae), Labcorp
Classification: Uncertain significance for Koolen-de Vries syndrome. Last evaluated: 2019-04-19. Review status: criteria provided, single submitter. Criteria: Invitae Variant Classification Sherloc (09022015). Collection method: clinical testing. Allele origin: germline.
Comment: In summary, the available evidence is currently insufficient to determine the role of this variant in disease. Therefore, it has been classified as a Variant of Uncertain Significance. Algorithms developed to predict the effect of missense changes on protein structure and function are either unavailable or do not agree on the potential impact of this missense change (SIFT: "Tolerated"; PolyPhen-2: "Probably Damaging"; Align-GVGD: "Class C0"). This variant has not been reported in the literature in individuals with KANSL1-related conditions. This variant is present in population databases (rs775473139, ExAC 0.02%). This sequence change replaces arginine with glutamine at codon 290 of the KANSL1 protein (p.Arg290Gln). The arginine residue is highly conserved and there is a small physicochemical difference between arginine and glutamine.

NM_015443.4(KANSL1):c.869G>A (p.Arg290Gln)

Gene: KANSL1 (KAT8 regulatory NSL complex subunit 1). Cytogenetic location: 17q21.31.
Variant type: single nucleotide variant.
Coding change: c.869G>A on transcript NM_015443.4 (MANE Select); coding-DNA position 869, G replaced by A.
Protein change: p.Arg290Gln; replaces arginine 290 with glutamine.
Molecular consequence: missense variant.
Genome position (GRCh38, 1-based): chr17:46,171,275, C>T on the plus strand (G>A on the coding strand, the complement: KANSL1 is on the minus strand). VCF-style: chr17-46171275-C-T. GRCh37 (hg19) VCF-style: chr17-44248641-C-T.
Other names: c.869G>A, p.Arg290Gln (NM_001193465.2, NM_001193466.2, NM_001379198.1); short protein forms R290Q.
Identifiers: ClinVar variation 840169 (VCV000840169.16), dbSNP rs775473139, ClinGen allele CA8618937.
Genomic context (GRCh38, chr17:46,171,275, plus strand): 5'-GCTTGCACAACCTGTAAGCGCTTTTGTAATCTGCGGGCACGGCTCTCAATGTCAGCCTGT[C>T]GCCGCAGTAAAGCTGTTATCCTTGTGTCAGAATCTAAAGCACTGAAAAGAATGGAAGACA-3'
Protein context (NP_056258.1, residues 280-300): SDTRITALLR[Arg290Gln]QADIESRARR